The following is an entry in ClinVar:

NM_017882.3(CLN6):c.837G>A (p.Trp279Ter)

Gene: CLN6 (CLN6 transmembrane ER protein; minus strand). Cytogenetic location: 15q23.
Variant type: single nucleotide variant.
Coding change: c.837G>A on transcript NM_017882.3 (MANE Select); coding-DNA position 837, G replaced by A.
Protein change: p.Trp279Ter; replaces tryptophan 279 with a stop codon.
Molecular consequence: nonsense.
Genome position (GRCh38, 1-based): chr15:68,208,239, C>T on the plus strand (G>A on the coding strand, the complement: CLN6 is on the minus strand). VCF-style: chr15-68208239-C-T. GRCh37 (hg19) VCF-style: chr15-68500577-C-T.
Other names: short protein forms W279*.
Identifiers: ClinVar variation 556320 (VCV000556320.7), dbSNP rs1555438212, ClinGen allele CA392971810.
Genomic context (GRCh38, chr15:68,208,239, plus strand): 5'-GGGCTCAGGGACGTAGATGACACCCGGGTACTTCTTCCTGAGAACAGGGTCATTCCACAG[C>T]CAGGCGACCCAGAGCGCCACAAGCAAGAGGGTCAGTGCGAAGGAGGAGAAGAGGAAGAGG-3'

ClinVar aggregate classification (germline): Pathogenic. Review status: criteria provided, single submitter (1 of 4 stars). 2 submissions from 2 submitters: Pathogenic (1). 1 of the submissions does not count toward it. Last evaluated 2023-09-27.

Conditions:
Ceroid lipofuscinosis, neuronal, 6A. Also called: Neuronal ceroid lipofuscinosis, late infantile, variant; Neuronal ceroid lipofuscinosis, Gypsy/Indian early juvenile variant; Neuronal ceroid lipofuscinosis 6; CLN6-Related Neuronal Ceroid-Lipofuscinosis. Identifiers: Orphanet 168491, Orphanet 228363, MedGen C5551375, MONDO:0011144, OMIM 601780.
Neuronal ceroid lipofuscinosis. Also called: Neuronal Ceroid Lipofuscinoses. Identifiers: Orphanet 216, Orphanet 79263, MedGen C0027877, MONDO:0016295. Disease mechanism: loss of function.

Allele frequency attached by ClinVar (database versions not stated): TOPMed below 0.00001; gnomAD 0.00001.
gnomAD v4.1: 1 of 1,613,898 alleles (0.000062%); highest among the groups gnomAD compares: Non-Finnish European, 0.000085%; no homozygotes.

Submissions (2):

Labcorp Genetics (formerly Invitae), Labcorp
Classification: Pathogenic for Neuronal ceroid lipofuscinosis. Last evaluated: 2023-09-27. Review status: criteria provided, single submitter. Criteria: Invitae Variant Classification Sherloc (09022015). Collection method: clinical testing. Allele origin: germline.
Comment: For these reasons, this variant has been classified as Pathogenic. This variant disrupts a region of the CLN6 protein in which other variant(s) (p.Pro299Leu) have been determined to be pathogenic (PMID: 19135028). This suggests that this is a clinically significant region of the protein, and that variants that disrupt it are likely to be disease-causing. ClinVar contains an entry for this variant (Variation ID: 556320). This variant has not been reported in the literature in individuals affected with CLN6-related conditions. This variant is not present in population databases (gnomAD no frequency). This sequence change creates a premature translational stop signal (p.Trp279*) in the CLN6 gene. While this is not anticipated to result in nonsense mediated decay, it is expected to disrupt the last 33 amino acid(s) of the CLN6 protein.

Counsyl
Classification: Likely pathogenic for Ceroid lipofuscinosis, neuronal, 6A. Last evaluated: 2018-01-29. Review status: no assertion criteria provided. Collection method: clinical testing. Allele origin: unknown. Not counted in ClinVar's aggregate classification.

Literature cited by the submitters: PubMed 19135028 (cited by Labcorp Genetics (formerly Invitae), Labcorp); PubMed 17453415 (cited by Counsyl).